The following is an entry in ClinVar:

ClinVar aggregate classification (germline): Uncertain significance. Review status: criteria provided, multiple submitters, no conflicts (2 of 4 stars). 4 submissions from 4 submitters: Uncertain significance (4). Last evaluated 2026-03-01.

Conditions:
Inborn genetic diseases. Identifiers: MedGen C0950123, MeSH D030342.

Allele frequency attached by ClinVar (database versions not stated): ExAC 0.00002.
gnomAD v4.1: 64 of 1,613,660 alleles (0.004%); highest among the groups gnomAD compares: African/African-American, 0.033%; 1 homozygote.

Submissions (4):

CeGaT Center for Human Genetics Tuebingen
Classification: Uncertain significance. Last evaluated: 2026-03-01. Review status: criteria provided, single submitter. Criteria: CeGaT Center For Human Genetics Tuebingen Variant Classification Criteria Version 2. Collection method: clinical testing. Allele origin: germline. Affected: yes. Observed: 1 variant allele.
Comment: MYO15A: PM2

GeneDx
Classification: Uncertain significance. Last evaluated: 2025-03-14. Review status: criteria provided, single submitter. Criteria: GeneDx Variant Classification Process June 2021. Collection method: clinical testing. Allele origin: germline. Affected: yes.
Comment: In silico analysis supports that this missense variant has a deleterious effect on protein structure/function; Has not been previously published as pathogenic or benign to our knowledge

Ambry Genetics
Classification: Uncertain significance for Inborn genetic diseases. Last evaluated: 2025-02-25. Review status: criteria provided, single submitter. Criteria: Ambry Variant Classification Scheme 2023. Collection method: clinical testing. Allele origin: germline.

Labcorp Genetics (formerly Invitae), Labcorp
Classification: Uncertain significance. Last evaluated: 2024-10-25. Review status: criteria provided, single submitter. Criteria: Invitae Variant Classification Sherloc (09022015). Collection method: clinical testing. Allele origin: germline.
Comment: This sequence change replaces arginine, which is basic and polar, with glutamine, which is neutral and polar, at codon 3519 of the MYO15A protein (p.Arg3519Gln). This variant is present in population databases (rs374002949, gnomAD 0.01%). This variant has not been reported in the literature in individuals affected with MYO15A-related conditions. ClinVar contains an entry for this variant (Variation ID: 1376105). Invitae Evidence Modeling of protein sequence and biophysical properties (such as structural, functional, and spatial information, amino acid conservation, physicochemical variation, residue mobility, and thermodynamic stability) indicates that this missense variant is not expected to disrupt MYO15A protein function with a negative predictive value of 95%. In summary, the available evidence is currently insufficient to determine the role of this variant in disease. Therefore, it has been classified as a Variant of Uncertain Significance.

NM_016239.4(MYO15A):c.10556G>A (p.Arg3519Gln)

Gene: MYO15A (myosin XVA; plus strand). Cytogenetic location: 17p11.2.
Variant type: single nucleotide variant.
Coding change: c.10556G>A on transcript NM_016239.4 (MANE Select); coding-DNA position 10556, G replaced by A.
Protein change: p.Arg3519Gln; replaces arginine 3519 with glutamine.
Molecular consequence: missense variant.
Genome position (GRCh38, 1-based): chr17:18,178,833, G>A. VCF-style: chr17-18178833-G-A. GRCh37 (hg19) VCF-style: chr17-18082147-G-A.
Other names: c.10556G>A (NM_016239.3); short protein forms R3519Q.
Identifiers: ClinVar variation 1376105 (VCV001376105.13), dbSNP rs374002949, ClinGen allele CA8425992.